The following is an entry in ClinVar:

ClinVar aggregate classification (germline): Benign. Review status: criteria provided, multiple submitters, no conflicts (2 of 4 stars). 2 submissions from 2 submitters: Benign (2). Last evaluated 2018-01-13.

Conditions:
Medium-chain acyl-coenzyme A dehydrogenase deficiency (ACADMD). Also called: ACADM DEFICIENCY; CARNITINE DEFICIENCY SECONDARY TO MEDIUM-CHAIN ACYL-CoA DEHYDROGENASE DEFICIENCY; MCADH DEFICIENCY; MCADD; Medium chain acyl-CoA dehydrogenase deficiency; MCAD Deficiency. Identifiers: Orphanet 42, MedGen C0220710, MONDO:0008721, OMIM 201450.

Allele frequency attached by ClinVar (database versions not stated): gnomAD 0.65639 and 0.65645; TOPMed 0.65779; 1000 Genomes Project 0.69169; 1000 Genomes Project 30x 0.69363.

Submissions (2):

Illumina Laboratory Services, Illumina
Classification: Benign for Medium-chain acyl-coenzyme A dehydrogenase deficiency. Last evaluated: 2018-01-13. Review status: criteria provided, single submitter. Criteria: ICSL Variant Classification Criteria 13 December 2019. Collection method: clinical testing. Allele origin: germline.
Comment: This variant was observed in the ICSL laboratory as part of a predisposition screen in an ostensibly healthy population. It had not been previously curated by ICSL or reported in the Human Gene Mutation Database (HGMD: prior to June 1st, 2018), and was therefore a candidate for classification through an automated scoring system. Utilizing variant allele frequency, disease prevalence and penetrance estimates, and inheritance mode, an automated score was calculated to assess if this variant is too frequent to cause the disease. Based on the score and internal cut-off values, a variant classified as benign is not then subjected to further curation. The score for this variant resulted in a classification of benign for this disease.

Breakthrough Genomics
Classification: Benign. Review status: criteria provided, single submitter. Criteria: ACMG Guidelines, 2015. Collection method: not provided. Allele origin: germline. Inheritance: Autosomal recessive inheritance. Affected: yes.

NM_000016.6(ACADM):c.*878T>C

Gene: ACADM (acyl-CoA dehydrogenase medium chain; plus strand). Cytogenetic location: 1p31.1.
Variant type: single nucleotide variant.
Coding change: c.*878T>C on transcript NM_000016.6 (MANE Select); 878 bases downstream of the stop codon, T replaced by C.
Molecular consequence: 3 prime UTR variant.
Genome position (GRCh38, 1-based): chr1:75,763,641, T>C. VCF-style: chr1-75763641-T-C. GRCh37 (hg19) VCF-style: chr1-76229326-T-C.
Other names: c.*878T>C (NM_001127328.3, NM_001286042.2, NM_001286043.2 and 1 more transcripts).
Identifiers: ClinVar variation 298081 (VCV000298081.6), dbSNP rs1146587, ClinGen allele CA10610374.